The following is an entry in ClinVar:

ClinVar aggregate classification (germline): Conflicting classifications of pathogenicity. Review status: criteria provided, conflicting classifications (1 of 4 stars). 2 submissions from 2 submitters: Uncertain significance (1); Likely benign (1). Last evaluated 2024-10-24.

Submissions (2):

Labcorp Genetics (formerly Invitae), Labcorp
Classification: Likely benign. Last evaluated: 2024-10-24. Review status: criteria provided, single submitter. Criteria: Invitae Variant Classification Sherloc (09022015). Collection method: clinical testing. Allele origin: germline.

CeGaT Center for Human Genetics Tuebingen
Classification: Uncertain significance. Last evaluated: 2023-04-01. Review status: criteria provided, single submitter. Criteria: CeGaT Center For Human Genetics Tuebingen Variant Classification Criteria Version 2. Collection method: clinical testing. Allele origin: germline. Affected: yes. Observed: 1 variant allele.
Comment: AHDC1: PM2

NM_001371928.1(AHDC1):c.3617T>C (p.Met1206Thr)

Gene: AHDC1 (AT-hook DNA binding motif containing 1; minus strand). Cytogenetic location: 1p36.11.
Variant type: single nucleotide variant.
Coding change: c.3617T>C on transcript NM_001371928.1 (MANE Select); coding-DNA position 3617, T replaced by C.
Protein change: p.Met1206Thr; replaces methionine 1206 with threonine.
Molecular consequence: missense variant.
Genome position (GRCh38, 1-based): chr1:27,548,499, A>G on the plus strand (T>C on the coding strand, the complement: AHDC1 is on the minus strand). VCF-style: chr1-27548499-A-G. GRCh37 (hg19) VCF-style: chr1-27875010-A-G.
Other names: c.3617T>C, p.Met1206Thr (NM_001029882.3); c.-427T>C (NM_015699.1); short protein forms M1206T.
Identifiers: ClinVar variation 2638568 (VCV002638568.27), dbSNP rs2521857044, ClinGen allele CA339225769.
Genomic context (GRCh38, chr1:27,548,499, plus strand): 5'-TGAAAGAGGACACTCTGGTTCCAGTTGTAGCCGGGGGCAGATGATGCCTCGTTCCAGTCC[A>G]TCATCAGTTTCTCCAGGCTGGACAGGCTCGACTGGCCCTCACTACTTGAGGCCTCGCTGT-3'
Protein context (NP_001358857.1, residues 1196-1216): SSLSSLEKLM[Met1206Thr]DWNEASSAPG